The following is an entry in ClinVar:

ClinVar aggregate classification (germline): Uncertain significance (1 of 4 stars; one submission).

Submission:

Labcorp Genetics (formerly Invitae), Labcorp
Classification: Uncertain significance. Last evaluated: 2022-05-06. Review status: criteria provided, single submitter. Criteria: Invitae Variant Classification Sherloc (09022015). Collection method: clinical testing. Allele origin: germline.
Comment: In summary, the available evidence is currently insufficient to determine the role of this variant in disease. Therefore, it has been classified as a Variant of Uncertain Significance. Algorithms developed to predict the effect of missense changes on protein structure and function output the following: SIFT: "Tolerated"; PolyPhen-2: "Benign"; Align-GVGD: "Class C0". The isoleucine amino acid residue is found in multiple mammalian species, which suggests that this missense change does not adversely affect protein function. This variant has not been reported in the literature in individuals affected with PEX3-related conditions. This variant is not present in population databases (gnomAD no frequency). This sequence change replaces valine, which is neutral and non-polar, with isoleucine, which is neutral and non-polar, at codon 26 of the PEX3 protein (p.Val26Ile).

NM_003630.3(PEX3):c.76G>A (p.Val26Ile)

Gene: PEX3 (peroxisomal biogenesis factor 3; plus strand). Cytogenetic location: 6q24.2.
Variant type: single nucleotide variant.
Coding change: c.76G>A on transcript NM_003630.3 (MANE Select); coding-DNA position 76, G replaced by A.
Protein change: p.Val26Ile; replaces valine 26 with isoleucine.
Molecular consequence: missense variant.
Genome position (GRCh38, 1-based): chr6:143,459,087, G>A. VCF-style: chr6-143459087-G-A. GRCh37 (hg19) VCF-style: chr6-143780224-G-A.
Other names: short protein forms V26I.
Identifiers: ClinVar variation 2053750 (VCV002053750.4), dbSNP rs2537181976, ClinGen allele CA365904667.
Genomic context (GRCh38, chr6:143,459,087, plus strand): 5'-AATACTGTGTAGAATTTTTGGTACTCTAATGAATATAGTACTTTTTTAATGATTGTAGGA[G>A]TATATATTCTGGGGAAATATGGACAGAAGAAAATCAGAGAAATACAGGAAAGGGAGGCTG-3'
Protein context (NP_003621.1, residues 16-36): CIFLGTVLGG[Val26Ile]YILGKYGQKK